The following is an entry in ClinVar:

NM_153240.5(NPHP3):c.1658A>G (p.Asn553Ser)

Genes: NPHP3 (nephrocystin 3; minus strand), NPHP3-ACAD11 (NPHP3-ACAD11 readthrough (NMD candidate); minus strand). Cytogenetic location: 3q22.1.
Variant type: single nucleotide variant.
Coding change: c.1658A>G on transcript NM_153240.5 (MANE Select); coding-DNA position 1658, A replaced by G.
Protein change: p.Asn553Ser; replaces asparagine 553 with serine.
Molecular consequence: missense variant. On other transcripts: non-coding transcript variant (1).
Genome position (GRCh38, 1-based): chr3:132,700,419, T>C on the plus strand (A>G on the coding strand, the complement: NPHP3 is on the minus strand). VCF-style: chr3-132700419-T-C. GRCh37 (hg19) VCF-style: chr3-132419263-T-C.
Other names: short protein forms N553S.
Identifiers: ClinVar variation 597145 (VCV000597145.7), dbSNP rs373846495, ClinGen allele CA2622235.
Genomic context (GRCh38, chr3:132,700,419, plus strand): 5'-AAGGAGGACTCTGAGCTGGTTGACATGGGCCTTCCCACAAAATGGGAAAGAATCAGTGTG[T>C]TGGGGGAATTCTTCTGTTGTAATTGAATCCTGAAAGAAAAAGACAGAACTTTTATAAAAC-3'
Protein context (NP_694972.3, residues 543-563): WIQLQQKNSP[Asn553Ser]TLILSHFVGR

ClinVar aggregate classification (germline): Uncertain significance. Review status: criteria provided, multiple submitters, no conflicts (2 of 4 stars). 2 submissions from 2 submitters: Uncertain significance (2). Last evaluated 2022-09-06.

Conditions:
Nephronophthisis. Also called: Juvenile Nephronophthisis. Identifiers: Orphanet 655, MedGen C0687120, MONDO:0019005, HP:0000090.

Allele frequency attached by ClinVar (database versions not stated): gnomAD 0.00001 and 0.00002; TOPMed 0.00001; ExAC 0.00002; ESP Exome Variant Server 0.00015.
gnomAD v4.1: 9 of 1,611,702 alleles (0.00056%); highest among the groups gnomAD compares: South Asian, 0.0022%; no homozygotes.

Submissions (2):

Labcorp Genetics (formerly Invitae), Labcorp
Classification: Uncertain significance for Nephronophthisis. Last evaluated: 2022-09-06. Review status: criteria provided, single submitter. Criteria: Invitae Variant Classification Sherloc (09022015). Collection method: clinical testing. Allele origin: germline.
Comment: This sequence change replaces asparagine, which is neutral and polar, with serine, which is neutral and polar, at codon 553 of the NPHP3 protein (p.Asn553Ser). This variant is present in population databases (rs373846495, gnomAD 0.002%). This variant has not been reported in the literature in individuals affected with NPHP3-related conditions. ClinVar contains an entry for this variant (Variation ID: 597145). Algorithms developed to predict the effect of missense changes on protein structure and function output the following: SIFT: "Deleterious"; PolyPhen-2: "Benign"; Align-GVGD: "Class C0". The serine amino acid residue is found in multiple mammalian species, which suggests that this missense change does not adversely affect protein function. In summary, the available evidence is currently insufficient to determine the role of this variant in disease. Therefore, it has been classified as a Variant of Uncertain Significance.

Eurofins Ntd Llc (ga)
Classification: Uncertain significance. Last evaluated: 2018-05-08. Review status: criteria provided, single submitter. Criteria: EGL ClinVar v180209 classification definitions. Collection method: clinical testing. Allele origin: germline. Observed: 1 variant allele, 1 heterozygote.